The following is an entry in ClinVar:

ClinVar aggregate classification (germline): Likely benign (1 of 4 stars; one submission).

Allele frequency attached by ClinVar (database versions not stated): gnomAD 0.01317 and 0.01412; 1000 Genomes Project 0.01478; TOPMed 0.01549; 1000 Genomes Project 30x 0.01577.
gnomAD v4.1: 2,001 of 152,326 alleles (1.3%); highest among the groups gnomAD compares: African/African-American, 4.3%; 33 homozygotes.

Submission:

GeneDx
Classification: Likely benign. Last evaluated: 2018-06-18. Review status: criteria provided, single submitter. Criteria: GeneDx Variant Classification (06012015). Collection method: clinical testing. Allele origin: germline. Affected: yes.
Comment: This variant is considered likely benign or benign based on one or more of the following criteria: it is a conservative change, it occurs at a poorly conserved position in the protein, it is predicted to be benign by multiple in silico algorithms, and/or has population frequency not consistent with disease.

NM_000179.3(MSH6):c.628-188T>C

Gene: MSH6 (mutS homolog 6; plus strand). Cytogenetic location: 2p16.3.
Variant type: single nucleotide variant.
Coding change: c.628-188T>C on transcript NM_000179.3 (MANE Select); 188 bases into the intron before coding-DNA position 628, T replaced by C.
Molecular consequence: intron variant.
Genome position (GRCh38, 1-based): chr2:47,798,423, T>C. VCF-style: chr2-47798423-T-C. GRCh37 (hg19) VCF-style: chr2-48025562-T-C.
Other names: c.-279-188T>C (NM_001281493.2); c.238-188T>C (NM_001281492.2); c.-275-192T>C (NM_001281494.2).
Identifiers: ClinVar variation 676995 (VCV000676995.1), dbSNP rs41558316, ClinGen allele CA46706307.